The following is an entry in ClinVar:

NM_001130438.3(SPTAN1):c.5993-45T>G

Gene: SPTAN1 (spectrin alpha, non-erythrocytic 1; plus strand). Cytogenetic location: 9q34.11.
Variant type: single nucleotide variant.
Coding change: c.5993-45T>G on transcript NM_001130438.3 (MANE Select); 45 bases into the intron before coding-DNA position 5993, T replaced by G.
Molecular consequence: intron variant.
Genome position (GRCh38, 1-based): chr9:128,625,058, T>G. VCF-style: chr9-128625058-T-G. GRCh37 (hg19) VCF-style: chr9-131387337-T-G.
Other names: c.6029-45T>G (NM_001375318.1, NM_001375312.2, NM_001438440.1); c.5993-45T>G (NM_001375311.2, NM_001375310.1, NM_001363759.2 and 1 more transcripts); c.5933-45T>G (NM_001375314.2, NM_001363765.2, NM_001438442.1); c.5978-45T>G (NM_001438445.1, NM_003127.4, NM_001438443.1); c.5918-45T>G (NM_001438444.1, NM_001195532.2, NM_001438441.1).
Identifiers: ClinVar variation 4840546 (VCV004840546.1).

ClinVar aggregate classification (germline): Uncertain significance (1 of 4 stars; one submission).

Conditions:
Inborn genetic diseases. Identifiers: MedGen C0950123, MeSH D030342.

Submission:

Ambry Genetics
Classification: Uncertain significance for Inborn genetic diseases. Last evaluated: 2026-03-04. Review status: criteria provided, single submitter. Criteria: Ambry Variant Classification Scheme 2023. Collection method: clinical testing. Allele origin: germline.
Comment: The c.5993-45T>G intronic alteration consists of a T to G substitution 45 nucleotides before coding exon 46 in the SPTAN1 gene. This variant was not reported in population-based cohorts in the Genome Aggregation Database (gnomAD). This nucleotide position is not well conserved in available vertebrate species. In silico splice site analysis predicts that this alteration may result in the creation or strengthening of a novel splice acceptor site. Based on insufficient or conflicting evidence, the clinical significance of this alteration remains unclear.